The following is an entry in ClinVar:

NM_005061.3(RPL3L):c.280G>A (p.Ala94Thr)

Gene: RPL3L (ribosomal protein L3 like; minus strand). Cytogenetic location: 16p13.3.
Variant type: single nucleotide variant.
Coding change: c.280G>A on transcript NM_005061.3 (MANE Select); coding-DNA position 280, G replaced by A.
Protein change: p.Ala94Thr; replaces alanine 94 with threonine.
Molecular consequence: missense variant.
Genome position (GRCh38, 1-based): chr16:1,952,959, C>T on the plus strand (G>A on the coding strand, the complement: RPL3L is on the minus strand). VCF-style: chr16-1952959-C-T. GRCh37 (hg19) VCF-style: chr16-2002960-C-T.
Other names: short protein forms A94T.
Identifiers: ClinVar variation 3024787 (VCV003024787.22), dbSNP rs118144581, ClinGen allele CA7823003.

ClinVar aggregate classification (germline): Likely benign (1 of 4 stars; one submission).

Allele frequency attached by ClinVar (database versions not stated): 1000 Genomes Project 30x 0.00328; 1000 Genomes Project 0.00379; ExAC 0.00388; gnomAD 0.00393; TOPMed 0.00471; ESP Exome Variant Server 0.00477; gnomAD exomes 0.00598.
gnomAD v4.1: 9,307 of 1,613,618 alleles (0.58%); highest among the groups gnomAD compares: Non-Finnish European, 0.72%; 33 homozygotes.

Submission:

CeGaT Center for Human Genetics Tuebingen
Classification: Likely benign. Last evaluated: 2026-08-01. Review status: criteria provided, single submitter. Criteria: CeGaT Center For Human Genetics Tuebingen Variant Classification Criteria Version 2. Collection method: clinical testing. Allele origin: germline. Affected: yes. Observed: 4 variant alleles.
Comment: RPL3L: BP4, BS2